The following is an entry in ClinVar:

ClinVar aggregate classification (germline): Uncertain significance (1 of 4 stars; one submission).

Allele frequency attached by ClinVar (database versions not stated): gnomAD exomes below 0.00001.

Submission:

CeGaT Center for Human Genetics Tuebingen
Classification: Uncertain significance. Last evaluated: 2022-07-01. Review status: criteria provided, single submitter. Criteria: CeGaT Center For Human Genetics Tuebingen Variant Classification Criteria Version 2. Collection method: clinical testing. Allele origin: germline. Affected: yes. Observed: 1 variant allele.
Comment: DCX: PM2

NM_001195553.2(DCX):c.35A>G (p.Asp12Gly)

Gene: DCX (doublecortin; minus strand). Cytogenetic location: Xq23.
Variant type: single nucleotide variant.
Coding change: c.35A>G on transcript NM_001195553.2 (MANE Select); coding-DNA position 35, A replaced by G.
Protein change: p.Asp12Gly; replaces aspartic acid 12 with glycine.
Molecular consequence: missense variant.
Genome position (GRCh38, 1-based): chrX:111,410,364, T>C on the plus strand (A>G on the coding strand, the complement: DCX is on the minus strand). VCF-style: chrX-111410364-T-C. GRCh37 (hg19) VCF-style: chrX-110653592-T-C.
Other names: c.278A>G, p.Asp93Gly (NM_000555.3); c.35A>G, p.Asp12Gly (NM_001369370.1, NM_001369371.1, NM_001369372.1 and 5 more transcripts); short protein forms D12G, D93G.
Identifiers: ClinVar variation 1701608 (VCV001701608.31), dbSNP rs2147276738, ClinGen allele CA414247261.